The following is an entry in ClinVar:

NM_000302.4(PLOD1):c.1321C>T (p.Arg441Trp)

Gene: PLOD1 (procollagen-lysine,2-oxoglutarate 5-dioxygenase 1; plus strand). Cytogenetic location: 1p36.22.
Variant type: single nucleotide variant.
Coding change: c.1321C>T on transcript NM_000302.4 (MANE Select); coding-DNA position 1321, C replaced by T.
Protein change: p.Arg441Trp; replaces arginine 441 with tryptophan.
Molecular consequence: missense variant.
Genome position (GRCh38, 1-based): chr1:11,964,293, C>T. VCF-style: chr1-11964293-C-T. GRCh37 (hg19) VCF-style: chr1-12024350-C-T.
Other names: p.Arg441Trp; c.1462C>T, p.Arg488Trp (NM_001316320.2); short protein forms R441W, R488W.
Identifiers: ClinVar variation 519563 (VCV000519563.29), dbSNP rs11553676, ClinGen allele CA598354.
Genomic context (GRCh38, chr1:11,964,293, plus strand): 5'-GCTCTCAGTGCAGATGGCTACTATGCCCGTTCCGAGGACTACGTGGACATTGTGCAGGGG[C>T]GGCGTGTGTGAGTACCTGCAGGGTGGGGGTGGGTGGGGGACACCTTCATCTGGCTTCTGC-3'
Protein context (NP_000293.2, residues 431-451): SEDYVDIVQG[Arg441Trp]RVGVWNVPYI

ClinVar aggregate classification (germline): Conflicting classifications of pathogenicity. Review status: criteria provided, conflicting classifications (1 of 4 stars). 8 submissions from 8 submitters: Uncertain significance (7); Likely benign (1). Last evaluated 2026-01-28.

Conditions:
Familial thoracic aortic aneurysm and aortic dissection (TAAD). Also called: Thoracic aortic aneurysms and dissections. Identifiers: Orphanet 91387, MedGen C4707243, MONDO:0019625.
Ehlers-Danlos syndrome, kyphoscoliotic type 1 (EDSKSCL1). Also called: EHLERS-DANLOS SYNDROME, OCULAR-SCOLIOTIC TYPE; Ehlers-Danlos syndrome, hydroxylysine-deficient; PLOD1-Related Kyphoscoliotic Ehlers-Danlos Syndrome; EHLERS-DANLOS SYNDROME, TYPE VIA. Identifiers: Orphanet 1900, MedGen C0268342, MONDO:0016002, OMIM 225400. Disease mechanism: loss of function.

Allele frequency attached by ClinVar (database versions not stated): ExAC 0.00014; gnomAD 0.00014; ESP Exome Variant Server 0.00015; gnomAD exomes 0.00018 and 0.00039; 1000 Genomes Project 0.00020.
gnomAD v4.1: 190 of 533,970 alleles (0.036%); highest among the groups gnomAD compares: East Asian, 0.03%; no homozygotes.

Submissions (8):

Labcorp Genetics (formerly Invitae), Labcorp
Classification: Likely benign for Ehlers-Danlos syndrome, kyphoscoliotic type 1. Last evaluated: 2026-01-28. Review status: criteria provided, single submitter. Criteria: Invitae Variant Classification Sherloc (09022015). Collection method: clinical testing. Allele origin: germline.

ARUP Laboratories, Molecular Genetics and Genomics, ARUP Laboratories
Classification: Uncertain significance for Ehlers-Danlos syndrome, kyphoscoliotic type 1. Last evaluated: 2025-07-17. Review status: criteria provided, single submitter. Criteria: ARUP Molecular Germline Variant Investigation Process 2024. Collection method: clinical testing. Allele origin: germline.
Comment: The PLOD1 c.1321C>T; p.Arg441Trp variant (rs11553676, ClinVar Variation ID: 519563) is reported in the literature in one individual from an ischemic stroke cohort (Alkhamis 2023). This variant is found in the general population with an overall allele frequency of 0.017% (48/277,826 alleles) in the Genome Aggregation Database (v2.1.1). Computational analyses are uncertain whether this variant is neutral or deleterious (REVEL: 0.664). Due to limited information, the clinical significance of this variant is uncertain at this time. References: Alkhamis FA et al. Whole-exome sequencing analyses in a Saudi Ischemic Stroke Cohort reveal association signals, and shows polygenic risk scores are related to Modified Rankin Scale Risk. Funct Integr Genomics. 2023 Mar 27;23(2):102. PMID: 36973604.

Mayo Clinic Laboratories, Mayo Clinic
Classification: Uncertain significance. Last evaluated: 2025-06-10. Review status: criteria provided, single submitter. Criteria: ACMG Guidelines, 2015. Collection method: clinical testing. Allele origin: germline. Observed: 2 variant alleles.
Comment: PP3

Ambry Genetics
Classification: Uncertain significance for Familial thoracic aortic aneurysm and aortic dissection. Last evaluated: 2025-02-18. Review status: criteria provided, single submitter. Criteria: Ambry Variant Classification Scheme 2023. Collection method: clinical testing. Allele origin: germline.
Comment: The p.R441W variant (also known as c.1321C>T), located in coding exon 12 of the PLOD1 gene, results from a C to T substitution at nucleotide position 1321. The arginine at codon 441 is replaced by tryptophan, an amino acid with dissimilar properties. This variant has been reported in an ischemic stroke cohort (Alkhamis FA et al. Funct Integr Genomics, 2023 Mar;23:102). This amino acid position is well conserved in available vertebrate species. In addition, the in silico prediction for this alteration is inconclusive. Based on the available evidence, the clinical significance of this variant remains unclear.

GeneDx
Classification: Uncertain significance. Last evaluated: 2024-03-20. Review status: criteria provided, single submitter. Criteria: GeneDx Variant Classification Process June 2021. Collection method: clinical testing. Allele origin: germline. Affected: yes.
Comment: Has not been previously published as pathogenic or benign to our knowledge; In silico analysis supports that this missense variant has a deleterious effect on protein structure/function

Women's Health and Genetics/Laboratory Corporation of America, LabCorp
Classification: Uncertain significance. Last evaluated: 2023-08-24. Review status: criteria provided, single submitter. Criteria: LabCorp Variant Classification Summary - May 2015. Collection method: clinical testing. Allele origin: germline.

Center for Genomics, Ann and Robert H. Lurie Children's Hospital of Chicago
Classification: Uncertain significance for Ehlers-Danlos syndrome, kyphoscoliotic type 1. Last evaluated: 2021-04-14. Review status: criteria provided, single submitter. Criteria: ACMG Guidelines, 2015. Collection method: clinical testing. Allele origin: germline.
Comment: PLOD1 NM_000302.3 exon 12 p.Arg441Trp (c.1321C>T): This variant has not been reported in the literature but is present in 0.01% (6/59792) of European alleles in the Genome Aggregation Database. This variant is present in ClinVar (Variation ID:519563). Evolutionary conservation and computational predictive tools for this variant are unclear. In summary, data on this variant is insufficient for disease classification. Therefore, the clinical significance of this variant is uncertain.

Illumina Laboratory Services, Illumina
Classification: Uncertain significance for Ehlers-Danlos syndrome, kyphoscoliotic type 1. Last evaluated: 2018-01-15. Review status: criteria provided, single submitter. Criteria: ICSL Variant Classification Criteria 13 December 2019. Collection method: clinical testing. Allele origin: germline.

Literature cited by the submitters: PubMed 36973604 (cited by Ambry Genetics).